The following is an entry in ClinVar:

ClinVar aggregate classification (germline): Uncertain significance (1 of 4 stars; one submission).

Submission:

GeneDx
Classification: Uncertain significance. Last evaluated: 2024-09-07. Review status: criteria provided, single submitter. Criteria: GeneDx Variant Classification Process June 2021. Collection method: clinical testing. Allele origin: germline. Affected: yes.
Comment: Not observed at significant frequency in large population cohorts (gnomAD); In silico analysis supports that this missense variant has a deleterious effect on protein structure/function; In silico analysis suggests this variant may impact gene splicing. In the absence of RNA/functional studies, the actual effect of this sequence change is unknown.; Has not been previously published as pathogenic or benign to our knowledge

NM_015100.4(POGZ):c.2382T>G (p.His794Gln)

Gene: POGZ (pogo transposable element derived with ZNF domain; minus strand). Cytogenetic location: 1q21.3.
Variant type: single nucleotide variant.
Coding change: c.2382T>G on transcript NM_015100.4 (MANE Select); coding-DNA position 2382, T replaced by G.
Protein change: p.His794Gln; replaces histidine 794 with glutamine.
Molecular consequence: missense variant.
Genome position (GRCh38, 1-based): chr1:151,407,285, A>C on the plus strand (T>G on the coding strand, the complement: POGZ is on the minus strand). VCF-style: chr1-151407285-A-C. GRCh37 (hg19) VCF-style: chr1-151379761-A-C.
Other names: c.2355T>G, p.His785Gln (NM_001194937.2); c.2196T>G, p.His732Gln (NM_001194938.2); c.2403T>G, p.His801Gln (NM_001410860.1); c.2097T>G, p.His699Gln (NM_145796.4); c.2223T>G, p.His741Gln (NM_207171.2); short protein forms H699Q, H732Q, H741Q, H785Q, H794Q, H801Q.
Identifiers: ClinVar variation 3776419 (VCV003776419.1).
Genomic context (GRCh38, chr1:151,407,285, plus strand): 5'-TTTTTCTTACCTCACAGAATTTTTAAACAAAGCCAAATACTTGGGGCTCTTCCGTGGAAC[A>C]TGATTGCTGAGAAAGACAAAGAAGTGGTATGAGTTACGGAGTTCTGCTGGCTAAGCTAGA-3'
Protein context (NP_055915.2, residues 784-804): RAYANHMINN[His794Gln]VPRKSPKYLA